The following is an entry in ClinVar:

NM_199420.4(POLQ):c.5670T>G (p.Phe1890Leu)

Gene: POLQ (DNA polymerase theta; minus strand). Cytogenetic location: 3q13.33.
Variant type: single nucleotide variant.
Coding change: c.5670T>G on transcript NM_199420.4 (MANE Select); coding-DNA position 5670, T replaced by G.
Protein change: p.Phe1890Leu; replaces phenylalanine 1890 with leucine.
Molecular consequence: missense variant.
Genome position (GRCh38, 1-based): chr3:121,485,144, A>C on the plus strand (T>G on the coding strand, the complement: POLQ is on the minus strand). VCF-style: chr3-121485144-A-C. GRCh37 (hg19) VCF-style: chr3-121203991-A-C.
Other names: short protein forms F1890L.
Identifiers: ClinVar variation 1748976 (VCV001748976.2), dbSNP rs2546782993, ClinGen allele CA354089277.

ClinVar aggregate classification (germline): Uncertain significance (1 of 4 stars; one submission).

Submission:

Ambry Genetics
Classification: Uncertain significance. Last evaluated: 2022-09-26. Review status: criteria provided, single submitter. Criteria: Ambry Variant Classification Scheme 2023. Collection method: clinical testing. Allele origin: germline.
Comment: The p.F1890L variant (also known as c.5670T>G), located in coding exon 17 of the POLQ gene, results from a T to G substitution at nucleotide position 5670. The phenylalanine at codon 1890 is replaced by leucine, an amino acid with highly similar properties. This amino acid position is conserved. In addition, this alteration is predicted to be tolerated by in silico analysis. Since supporting evidence is limited at this time, the clinical significance of this alteration remains unclear.